The following is an entry in ClinVar:

ClinVar aggregate classification (germline): Pathogenic (1 of 4 stars; one submission).

Submission:

Labcorp Genetics (formerly Invitae), Labcorp
Classification: Pathogenic. Last evaluated: 2024-01-24. Review status: criteria provided, single submitter. Criteria: Invitae Variant Classification Sherloc (09022015). Collection method: clinical testing. Allele origin: germline.
Comment: This sequence change creates a premature translational stop signal (p.Asn66Glnfs*32) in the RPIA gene. It is expected to result in an absent or disrupted protein product. Loss-of-function variants in RPIA are known to be pathogenic (PMID: 14988808, 30088433). This variant is not present in population databases (gnomAD no frequency). This variant has not been reported in the literature in individuals affected with RPIA-related conditions. ClinVar contains an entry for this variant (Variation ID: 2021430). For these reasons, this variant has been classified as Pathogenic.

Literature cited by the submitters: PubMed 14988808; PubMed 30088433.

NM_144563.3(RPIA):c.195dup (p.Asn66fs)

Genes: RPIA (ribose 5-phosphate isomerase A; plus strand), LOC129934277 (ATAC-STARR-seq lymphoblastoid silent region 11733; plus strand). Cytogenetic location: 2p11.2.
Variant type: Duplication.
Coding change: c.195dup on transcript NM_144563.3 (MANE Select); coding-DNA position 195, one base duplicated (C; older notation c.195dupC).
Protein change: p.Asn66fs; shifts the reading frame from asparagine 66.
Molecular consequence: frameshift variant.
Genome position (GRCh38, 1-based): chr2:88,691,893, C duplicated; the last of 2 consecutive C bases (chr2:88,691,892-88,691,893); duplicating either gives the same sequence. VCF-style (leftmost placement, unchanged base first): chr2-88691891-T-TC. GRCh37 (hg19) VCF-style: chr2-88991409-T-TC.
Other names: short protein forms N66fs.
Identifiers: ClinVar variation 2021430 (VCV002021430.4), dbSNP rs2528407432, ClinGen allele CA2577029897.